The following is an entry in ClinVar:

ClinVar aggregate classification (germline): Uncertain significance (1 of 4 stars; one submission).

Allele frequency attached by ClinVar (database versions not stated): gnomAD exomes 0.00001.
gnomAD v4.1: 11 of 1,613,482 alleles (0.00068%); highest among the groups gnomAD compares: Non-Finnish European, 0.00085%; no homozygotes.

Submission:

Labcorp Genetics (formerly Invitae), Labcorp
Classification: Uncertain significance. Last evaluated: 2022-08-10. Review status: criteria provided, single submitter. Criteria: Invitae Variant Classification Sherloc (09022015). Collection method: clinical testing. Allele origin: germline.
Comment: This sequence change replaces tyrosine, which is neutral and polar, with cysteine, which is neutral and slightly polar, at codon 1186 of the CEP250 protein (p.Tyr1186Cys). The frequency data for this variant in the population databases is considered unreliable, as metrics indicate poor data quality at this position in the gnomAD database. This variant has not been reported in the literature in individuals affected with CEP250-related conditions. Algorithms developed to predict the effect of missense changes on protein structure and function output the following: SIFT: "Not Available"; PolyPhen-2: "Benign"; Align-GVGD: "Not Available". The cysteine amino acid residue is found in multiple mammalian species, which suggests that this missense change does not adversely affect protein function. In summary, the available evidence is currently insufficient to determine the role of this variant in disease. Therefore, it has been classified as a Variant of Uncertain Significance.

NM_007186.6(CEP250):c.3557A>G (p.Tyr1186Cys)

Gene: CEP250 (centrosomal protein 250; plus strand). Cytogenetic location: 20q11.22.
Variant type: single nucleotide variant.
Coding change: c.3557A>G on transcript NM_007186.6 (MANE Select); coding-DNA position 3557, A replaced by G.
Protein change: p.Tyr1186Cys; replaces tyrosine 1186 with cysteine.
Molecular consequence: missense variant.
Genome position (GRCh38, 1-based): chr20:35,497,969, A>G. VCF-style: chr20-35497969-A-G. GRCh37 (hg19) VCF-style: chr20-34085798-A-G.
Other names: c.1661A>G, p.Tyr554Cys (NM_001318219.1); short protein forms Y554C, Y1186C.
Identifiers: ClinVar variation 1945693 (VCV001945693.2), dbSNP rs997412278, ClinGen allele CA314156688.